The following is an entry in ClinVar:

NM_002225.5(IVD):c.*2844T>C

Gene: IVD (isovaleryl-CoA dehydrogenase; plus strand). Cytogenetic location: 15q15.1.
Variant type: single nucleotide variant.
Coding change: c.*2844T>C on transcript NM_002225.5 (MANE Select); 2844 bases downstream of the stop codon, T replaced by C.
Molecular consequence: 3 prime UTR variant. On other transcripts: intron variant (3).
Genome position (GRCh38, 1-based): chr15:40,421,107, T>C. VCF-style: chr15-40421107-T-C. GRCh37 (hg19) VCF-style: chr15-40713306-T-C.
Other names: c.*2844T>C (NM_001159508.3, NM_001354597.3, NM_001354599.3); c.1226-3028T>C (NM_001354600.3); c.1139-3028T>C (NM_001354598.3); c.1138+4745T>C (NM_001354601.3).
Identifiers: ClinVar variation 315834 (VCV000315834.6), dbSNP rs7207, ClinGen allele CA10645847.

ClinVar aggregate classification (germline): Benign. Review status: criteria provided, multiple submitters, no conflicts (2 of 4 stars). 2 submissions from 2 submitters: Benign (2). Last evaluated 2018-01-12.

Conditions:
Isovaleryl-CoA dehydrogenase deficiency (IVA). Also called: ISOVALERIC ACID CoA DEHYDROGENASE DEFICIENCY; IVD DEFICIENCY; Isovaleric acidemia; Classic Isovaleric Acidemia. Identifiers: Orphanet 33, MedGen C0268575, MONDO:0009475, OMIM 243500.

Allele frequency attached by ClinVar (database versions not stated): gnomAD 0.45094 and 0.46395; TOPMed 0.45181; 1000 Genomes Project 30x 0.49422; 1000 Genomes Project 0.50719; gnomAD exomes 0.51409.
gnomAD v4.1: 499,087 of 984,968 alleles (51%); highest among the groups gnomAD compares: East Asian, 79%; 129,603 homozygotes.

Submissions (2):

Illumina Laboratory Services, Illumina
Classification: Benign for Isovaleryl-CoA dehydrogenase deficiency. Last evaluated: 2018-01-12. Review status: criteria provided, single submitter. Criteria: ICSL Variant Classification Criteria 13 December 2019. Collection method: clinical testing. Allele origin: germline.
Comment: This variant was observed in the ICSL laboratory as part of a predisposition screen in an ostensibly healthy population. It had not been previously curated by ICSL or reported in the Human Gene Mutation Database (HGMD: prior to June 1st, 2018), and was therefore a candidate for classification through an automated scoring system. Utilizing variant allele frequency, disease prevalence and penetrance estimates, and inheritance mode, an automated score was calculated to assess if this variant is too frequent to cause the disease. Based on the score and internal cut-off values, a variant classified as benign is not then subjected to further curation. The score for this variant resulted in a classification of benign for this disease.

Breakthrough Genomics
Classification: Benign. Review status: criteria provided, single submitter. Criteria: ACMG Guidelines, 2015. Collection method: not provided. Allele origin: germline. Inheritance: Autosomal recessive inheritance. Affected: yes.